The following is an entry in ClinVar:

ClinVar aggregate classification (germline): Pathogenic (1 of 4 stars; one submission).

Conditions:
Mowat-Wilson syndrome (MOWS). Also called: Classic Mowat-Wilson Syndrome. Identifiers: Orphanet 2152, MedGen C1856113, MONDO:0009341, OMIM 235730.

Submission:

Labcorp Genetics (formerly Invitae), Labcorp
Classification: Pathogenic for Mowat-Wilson syndrome. Last evaluated: 2019-06-19. Review status: criteria provided, single submitter. Criteria: Invitae Variant Classification Sherloc (09022015). Collection method: clinical testing. Allele origin: germline.
Comment: This sequence change creates a premature translational stop signal (p.Lys23*) in the ZEB2 gene. It is expected to result in an absent or disrupted protein product. This variant is not present in population databases (ExAC no frequency). This variant has been observed in an individual with clinical features of ZEB2-related conditions (Invitae). Algorithms developed to predict the effect of sequence changes on RNA splicing suggest that this variant may create or strengthen a splice site, but this prediction has not been confirmed by published transcriptional studies. Loss-of-function variants in ZEB2 are known to be pathogenic (PMID: 16053902). For these reasons, this variant has been classified as Pathogenic.

Literature cited by the submitters: PubMed 16053902.

NM_014795.4(ZEB2):c.67A>T (p.Lys23Ter)

Gene: ZEB2 (zinc finger E-box binding homeobox 2; minus strand). Cytogenetic location: 2q22.3.
Variant type: single nucleotide variant.
Coding change: c.67A>T on transcript NM_014795.4 (MANE Select); coding-DNA position 67, A replaced by T.
Protein change: p.Lys23Ter; replaces lysine 23 with a stop codon.
Molecular consequence: nonsense. On other transcripts: non-coding transcript variant (1).
Genome position (GRCh38, 1-based): chr2:144,517,284, T>A on the plus strand (A>T on the coding strand, the complement: ZEB2 is on the minus strand). VCF-style: chr2-144517284-T-A. GRCh37 (hg19) VCF-style: chr2-145274851-T-A.
Other names: c.67A>T, p.Lys23Ter (NM_001171653.2); short protein forms K23*.
Identifiers: ClinVar variation 937858 (VCV000937858.9), dbSNP rs1705170374, ClinGen allele CA348858309.